The following is an entry in ClinVar:

NM_003680.4(YARS1):c.57+4A>T

Genes: S100PBP (S100P binding protein; plus strand), YARS1 (tyrosyl-tRNA synthetase 1; minus strand). Cytogenetic location: 1p35.1.
Variant type: single nucleotide variant.
Coding change: c.57+4A>T on transcript NM_003680.4 (MANE Select); 4 bases into the intron after coding-DNA position 57, A replaced by T.
Molecular consequence: intron variant.
Genome position (GRCh38, 1-based): chr1:32,817,184, T>A on the plus strand (A>T on the coding strand, the complement: YARS1 is on the minus strand). VCF-style: chr1-32817184-T-A. GRCh37 (hg19) VCF-style: chr1-33282785-T-A.
Identifiers: ClinVar variation 1681540 (VCV001681540.6), dbSNP rs2148620986, ClinGen allele CA2573132258.

ClinVar aggregate classification (germline): Uncertain significance (1 of 4 stars; one submission).

Conditions:
Charcot-Marie-Tooth disease dominant intermediate C (CMTDIC). Also called: CHARCOT-MARIE-TOOTH NEUROPATHY, DOMINANT INTERMEDIATE C. Identifiers: Orphanet 100045, MedGen C1842237, MONDO:0012012, OMIM 608323.

Submission:

Labcorp Genetics (formerly Invitae), Labcorp
Classification: Uncertain significance for Charcot-Marie-Tooth disease dominant intermediate C. Last evaluated: 2021-05-16. Review status: criteria provided, single submitter. Criteria: Invitae Variant Classification Sherloc (09022015). Collection method: clinical testing. Allele origin: germline.
Comment: Nucleotide substitutions within the consensus splice site are a relatively common cause of aberrant splicing (PMID: 17576681, 9536098). Algorithms developed to predict the effect of sequence changes on RNA splicing suggest that this variant may disrupt the consensus splice site, but this prediction has not been confirmed by published transcriptional studies. This variant has not been reported in the literature in individuals with YARS-related conditions. This variant is not present in population databases (ExAC no frequency). This sequence change falls in intron 1 of the YARS gene. It does not directly change the encoded amino acid sequence of the YARS protein. It affects a nucleotide within the consensus splice site of the intron. In summary, the available evidence is currently insufficient to determine the role of this variant in disease. Therefore, it has been classified as a Variant of Uncertain Significance.

Literature cited by the submitters: PubMed 17576681; PubMed 9536098.